The following is an entry in ClinVar:

NM_152743.4(BRAT1):c.2434T>C (p.Phe812Leu)

Gene: BRAT1 (BRCA1 associated ATM activator 1; minus strand). Cytogenetic location: 7p22.3.
Variant type: single nucleotide variant.
Coding change: c.2434T>C on transcript NM_152743.4 (MANE Select); coding-DNA position 2434, T replaced by C.
Protein change: p.Phe812Leu; replaces phenylalanine 812 with leucine.
Molecular consequence: missense variant. On other transcripts: non-coding transcript variant (1).
Genome position (GRCh38, 1-based): chr7:2,538,101, A>G on the plus strand (T>C on the coding strand, the complement: BRAT1 is on the minus strand). VCF-style: chr7-2538101-A-G. GRCh37 (hg19) VCF-style: chr7-2577735-A-G.
Other names: c.2614T>C, p.Phe872Leu (NM_001350626.2); c.1909T>C, p.Phe637Leu (NM_001350627.2); short protein forms F812L, F872L, F637L.
Identifiers: ClinVar variation 641682 (VCV000641682.1), dbSNP rs757188244, ClinGen allele CA4127361.
Genomic context (GRCh38, chr7:2,538,101, plus strand): 5'-GAGCCCCAGTGGCAGACTCTGGTTCTGCTCAGTAGCAGTCGGCCTCGTCCCCCTGCAGGA[A>G]GCCTCCCGTGGCCAGCATGTCCTGCAGGAGGGACTGGGGACTCTTTTCCACGTGGTCGCT-3'
Protein context (NP_689956.2, residues 802-821): LLQDMLATGG[Phe812Leu]LQGDEADCY

ClinVar aggregate classification (germline): Uncertain significance (1 of 4 stars; one submission).

Conditions:
Neonatal-onset encephalopathy with rigidity and seizures. Also called: Lethal neonatal spasticity-epileptic encephalopathy syndrome. Identifiers: Orphanet 435845, MedGen C3281029, MONDO:0013784, OMIM 614498.

Allele frequency attached by ClinVar (database versions not stated): gnomAD 0.00001; ExAC 0.00003; gnomAD exomes 0.00003; TOPMed 0.00003.
gnomAD v4.1: 44 of 1,584,962 alleles (0.0028%); highest among the groups gnomAD compares: Non-Finnish European, 0.002%; no homozygotes.

Submission:

Labcorp Genetics (formerly Invitae), Labcorp
Classification: Uncertain significance for Rigidity and multifocal seizure syndrome, lethal neonatal. Last evaluated: 2018-07-15. Review status: criteria provided, single submitter. Criteria: Invitae Variant Classification Sherloc (09022015). Collection method: clinical testing. Allele origin: germline.
Comment: This sequence change replaces phenylalanine with leucine at codon 812 of the BRAT1 protein (p.Phe812Leu). The phenylalanine residue is weakly conserved and there is a small physicochemical difference between phenylalanine and leucine. This variant is present in population databases (rs757188244, ExAC 0.005%). This variant has not been reported in the literature in individuals with BRAT1-related disease. Algorithms developed to predict the effect of missense changes on protein structure and function output the following: SIFT: "Tolerated"; PolyPhen-2: "Benign"; Align-GVGD: "Class C0". The leucine amino acid residue is found in multiple mammalian species, suggesting that this missense change does not adversely affect protein function. These predictions have not been confirmed by published functional studies and their clinical significance is uncertain. In summary, the available evidence is currently insufficient to determine the role of this variant in disease. Therefore, it has been classified as a Variant of Uncertain Significance.